The following is an entry in ClinVar:

ClinVar aggregate classification (germline): Likely benign. Review status: criteria provided, multiple submitters, no conflicts (2 of 4 stars). 2 submissions from 2 submitters: Likely benign (2). Last evaluated 2025-05-01.

Conditions:
Joubert syndrome. Also called: Familial aplasia of the vermis; JOUBERT-BOLTSHAUSER SYNDROME. Identifiers: Orphanet 475, MedGen C5979921, MONDO:0018772.
Meckel-Gruber syndrome. Also called: DYSENCEPHALIA SPLANCHNOCYSTICA; GRUBER SYNDROME; Dysencephalia splachnocystica. Identifiers: Orphanet 564, MedGen C0265215, MONDO:0018921.

Submissions (2):

CeGaT Center for Human Genetics Tuebingen
Classification: Likely benign. Last evaluated: 2025-05-01. Review status: criteria provided, single submitter. Criteria: CeGaT Center For Human Genetics Tuebingen Variant Classification Criteria Version 2. Collection method: clinical testing. Allele origin: germline. Affected: yes. Observed: 1 variant allele.
Comment: MKS1: PM2:Supporting, BP4, BP7

Labcorp Genetics (formerly Invitae), Labcorp
Classification: Likely benign for Joubert syndrome; Meckel-Gruber syndrome. Last evaluated: 2018-07-25. Review status: criteria provided, single submitter. Criteria: Invitae Variant Classification Sherloc (09022015). Collection method: clinical testing. Allele origin: germline.

NM_017777.4(MKS1):c.1422C>T (p.Ser474=)

Gene: MKS1 (MKS transition zone complex subunit 1; minus strand). Cytogenetic location: 17q22.
Variant type: single nucleotide variant.
Coding change: c.1422C>T on transcript NM_017777.4 (MANE Select); coding-DNA position 1422, C replaced by T.
Protein change: p.Ser474=; no amino-acid change (serine 474 retained).
Molecular consequence: synonymous variant. On other transcripts: intron variant (2).
Genome position (GRCh38, 1-based): chr17:58,206,533, G>A on the plus strand (C>T on the coding strand, the complement: MKS1 is on the minus strand). VCF-style: chr17-58206533-G-A. GRCh37 (hg19) VCF-style: chr17-56283894-G-A.
Other names: c.813C>T, p.Ser271= (NM_001321268.2); c.1274-153C>T (NM_001330397.2); c.1408-153C>T (NM_001321269.2).
Identifiers: ClinVar variation 763612 (VCV000763612.20), dbSNP rs1597975737, ClinGen allele CA501324283.
Genomic context (GRCh38, chr17:58,206,533, plus strand): 5'-CTGCAGACAGTGCAAGCGGAAGGTGACAGTGCCTGTGGTCTCTGTGCGGAGTCCAAAGCG[G>A]CTCAGGCGTTCCCCCTGTGGCATGCCATTGGGACAGCCTCAGGTTTCTGCTCTCTCTAGA-3'
Protein context (NP_060247.2, residues 464-484): IPGSFKGERL[Ser474=]RFGLRTETTG